The following is an entry in ClinVar:

NM_198253.3(TERT):c.587G>A (p.Arg196His)

Gene: TERT (telomerase reverse transcriptase; minus strand). Cytogenetic location: 5p15.33.
Variant type: single nucleotide variant.
Coding change: c.587G>A on transcript NM_198253.3 (MANE Select); coding-DNA position 587, G replaced by A.
Protein change: p.Arg196His; replaces arginine 196 with histidine.
Molecular consequence: missense variant. On other transcripts: non-coding transcript variant (2).
Genome position (GRCh38, 1-based): chr5:1,294,299, C>T on the plus strand (G>A on the coding strand, the complement: TERT is on the minus strand). VCF-style: chr5-1294299-C-T. GRCh37 (hg19) VCF-style: chr5-1294414-C-T.
Other names: c.587G>A, p.Arg196His (NM_001193376.3, NM_003219.1); short protein forms R196H.
Identifiers: ClinVar variation 2954288 (VCV002954288.5), dbSNP rs779999492, ClinGen allele CA3184951.

ClinVar aggregate classification (germline): Uncertain significance. Review status: criteria provided, multiple submitters, no conflicts (2 of 4 stars). 2 submissions from 2 submitters: Uncertain significance (2). Last evaluated 2025-11-25.

Conditions:
Dyskeratosis congenita, autosomal dominant 2. Identifiers: MedGen C3151443, MONDO:0013521, OMIM 613989.
Idiopathic Pulmonary Fibrosis. Also called: Idiopathic fibrosing alveolitis, chronic form; idiopathic fibrosing alveolitis. Identifiers: Orphanet 2032, MedGen C1800706, MeSH D054990, MONDO:0800504.
Dyskeratosis congenita. Identifiers: Orphanet 1775, MedGen C0265965, MONDO:0015780.

Allele frequency attached by ClinVar (database versions not stated): gnomAD exomes below 0.00001; gnomAD 0.00001; TOPMed 0.00001; ExAC 0.00002.

Submissions (2):

Ambry Genetics
Classification: Uncertain significance for Dyskeratosis congenita. Last evaluated: 2025-11-25. Review status: criteria provided, single submitter. Criteria: Ambry Variant Classification Scheme 2023. Collection method: clinical testing. Allele origin: germline.
Comment: The p.R196H variant (also known as c.587G>A), located in coding exon 2 of the TERT gene, results from a G to A substitution at nucleotide position 587. The arginine at codon 196 is replaced by histidine, an amino acid with highly similar properties. This amino acid position is poorly conserved in available vertebrate species. In addition, this alteration is predicted to be tolerated by in silico analysis. Based on the available evidence, the clinical significance of this variant remains unclear.

Labcorp Genetics (formerly Invitae), Labcorp
Classification: Uncertain significance for Dyskeratosis congenita, autosomal dominant 2; Idiopathic Pulmonary Fibrosis. Last evaluated: 2023-07-31. Review status: criteria provided, single submitter. Criteria: Invitae Variant Classification Sherloc (09022015). Collection method: clinical testing. Allele origin: germline.
Comment: In summary, the available evidence is currently insufficient to determine the role of this variant in disease. Therefore, it has been classified as a Variant of Uncertain Significance. Advanced modeling of protein sequence and biophysical properties (such as structural, functional, and spatial information, amino acid conservation, physicochemical variation, residue mobility, and thermodynamic stability) performed at Invitae indicates that this missense variant is expected to disrupt TERT protein function. This variant has not been reported in the literature in individuals affected with TERT-related conditions. The frequency data for this variant in the population databases is considered unreliable, as metrics indicate poor data quality at this position in the gnomAD database. This sequence change replaces arginine, which is basic and polar, with histidine, which is basic and polar, at codon 196 of the TERT protein (p.Arg196His).